The following is an entry in ClinVar:

NM_000138.5(FBN1):c.170A>T (p.Asn57Ile)

Gene: FBN1 (fibrillin 1; minus strand). Cytogenetic location: 15q21.1.
Variant type: single nucleotide variant.
Coding change: c.170A>T on transcript NM_000138.5 (MANE Select); coding-DNA position 170, A replaced by T.
Protein change: p.Asn57Ile; replaces asparagine 57 with isoleucine.
Molecular consequence: missense variant.
Genome position (GRCh38, 1-based): chr15:48,613,087, T>A on the plus strand (A>T on the coding strand, the complement: FBN1 is on the minus strand). VCF-style: chr15-48613087-T-A. GRCh37 (hg19) VCF-style: chr15-48905284-T-A.
Other names: c.170A>T, p.Asn57Ile (NM_001406716.1, NM_001406717.1); short protein forms N57I.
Identifiers: ClinVar variation 3600237 (VCV003600237.2).
Genomic context (GRCh38, chr15:48,613,087, plus strand): 5'-CCGCCAGGTAAGGTTTTCCATCCAGGGCAACAGTAAGCATTATAACGTGATCCACAGACA[T>A]TGGGTCTAAAACAAAAACAGAAGAATTCCATACTTTAAAAAAAAGAAGAAGAGGAAGAGA-3'
Protein context (NP_000129.3, residues 47-67): GGGHDALKGP[Asn57Ile]VCGSRYNAYC

ClinVar aggregate classification (germline): Uncertain significance. Review status: criteria provided, single submitter (1 of 4 stars). 2 submissions from 2 submitters: Uncertain significance (1). 1 of the submissions does not count toward it. Last evaluated 2024-04-09.

Conditions:
Marfan syndrome (MFS). Also called: MARFAN SYNDROME, TYPE I; Marfan syndrome type 1; Marfan's syndrome; FBN1-Related Marfan Syndrome; Marfan syndrome, classic. Identifiers: Orphanet 284963, Orphanet 558, MedGen C0024796, MONDO:0007947, OMIM 154700.

Submissions (2):

Blueprint Genetics
Classification: Uncertain significance. Last evaluated: 2024-04-09. Review status: criteria provided, single submitter. Criteria: ACMG Guidelines, 2015. Collection method: clinical testing. Allele origin: germline.

Department of Laboratory Medicine and Genetics, Samsung Medical Center
Classification: Uncertain significance for Marfan syndrome. Last evaluated: 2025-01-02. Review status: no assertion criteria provided. Collection method: clinical testing. Allele origin: germline. Not counted in ClinVar's aggregate classification.
Comment: The NM_000138.5:c.170A>T is considered to be rare in the general population database (gnomAD v2.1.1). This variant is predicted to be deleterious by in-silico analysis (REVEL). In summary, the available evidence is currently insufficient to evaluate the pathogenicity of this variant, resulting its classification as a variant of uncertain significance (PP2, PP3, PM2_P).

Literature cited by the submitters: PubMed 37558401 (cited by Department of Laboratory Medicine and Genetics, Samsung Medical Center).